The following is an entry in ClinVar:

NM_138694.4(PKHD1):c.2066A>G (p.Asn689Ser)

Gene: PKHD1 (PKHD1 ciliary IPT domain containing fibrocystin/polyductin; minus strand). Cytogenetic location: 6p12.2.
Variant type: single nucleotide variant.
Coding change: c.2066A>G on transcript NM_138694.4 (MANE Select); coding-DNA position 2066, A replaced by G.
Protein change: p.Asn689Ser; replaces asparagine 689 with serine.
Molecular consequence: missense variant.
Genome position (GRCh38, 1-based): chr6:52,053,150, T>C on the plus strand (A>G on the coding strand, the complement: PKHD1 is on the minus strand). VCF-style: chr6-52053150-T-C. GRCh37 (hg19) VCF-style: chr6-51917948-T-C.
Other names: c.2066A>G, p.Asn689Ser (NM_170724.3); short protein forms N689S.
Identifiers: ClinVar variation 4984634 (VCV004984634.1).

ClinVar aggregate classification (germline): Uncertain significance (1 of 4 stars; one submission).

Conditions:
PKHD1-related disorder. Also called: PKHD1-related condition.

gnomAD v4.1: 11 of 1,614,108 alleles (0.00068%); highest among the groups gnomAD compares: Non-Finnish European, 0.00093%; no homozygotes.

Submission:

PreventionGenetics, part of Exact Sciences
Classification: Uncertain significance for PKHD1-related condition. Last evaluated: 2025-12-31. Review status: criteria provided, single submitter. Criteria: ACMG Guidelines, 2015. Collection method: clinical testing. Allele origin: germline.
Comment: The PKHD1 c.2066A>G variant is predicted to result in the amino acid substitution p.Asn689Ser. To our knowledge, this variant has not been reported in the literature. This variant is reported in 0.0023% of alleles in individuals of European (Non-Finnish) descent in gnomAD. At this time, the clinical significance of this variant is uncertain due to the absence of conclusive functional and genetic evidence.